The following is an entry in ClinVar:

NM_020937.4(FANCM):c.4537del (p.Asp1513fs)

Gene: FANCM (FA complementation group M; plus strand). Cytogenetic location: 14q21.2.
Variant type: Deletion.
Coding change: c.4537del on transcript NM_020937.4 (MANE Select); coding-DNA position 4537, one base deleted (G; older notation c.4537delG).
Protein change: p.Asp1513fs; shifts the reading frame from aspartic acid 1513.
Molecular consequence: frameshift variant.
Genome position (GRCh38, 1-based): chr14:45,185,238, G deleted. VCF-style (leftmost placement, unchanged base first): chr14-45185237-AG-A. GRCh37 (hg19) VCF-style: chr14-45654440-AG-A.
Other names: c.4459del, p.Asp1487fs (NM_001308133.2); short protein forms D1487fs, D1513fs.
Identifiers: ClinVar variation 3670521 (VCV003670521.2).

ClinVar aggregate classification (germline): Pathogenic (1 of 4 stars; one submission).

Conditions:
Fanconi anemia (FA). Also called: Fanconi's anemia. Identifiers: Orphanet 84, MedGen C0015625, MeSH D005199, MONDO:0019391.

Submission:

Labcorp Genetics (formerly Invitae), Labcorp
Classification: Pathogenic for Fanconi anemia. Last evaluated: 2024-10-28. Review status: criteria provided, single submitter. Criteria: Invitae Variant Classification Sherloc (09022015). Collection method: clinical testing. Allele origin: germline.
Comment: This sequence change creates a premature translational stop signal (p.Asp1513Metfs*34) in the FANCM gene. It is expected to result in an absent or disrupted protein product. Loss-of-function variants in FANCM are known to be pathogenic (PMID: 29895858, 30075111). The frequency data for this variant in the population databases is considered unreliable, as metrics indicate poor data quality at this position in the gnomAD database. This variant has not been reported in the literature in individuals affected with FANCM-related conditions. For these reasons, this variant has been classified as Pathogenic.

Literature cited by the submitters: PubMed 29895858; PubMed 30075111.